The following is an entry in ClinVar:

ClinVar aggregate classification (germline): Uncertain significance (1 of 4 stars; one submission).

gnomAD v4.1: 1 of 1,614,038 alleles (0.000062%); highest among the groups gnomAD compares: Non-Finnish European, 0.000085%; no homozygotes.

Submission:

Labcorp Genetics (formerly Invitae), Labcorp
Classification: Uncertain significance. Last evaluated: 2022-10-13. Review status: criteria provided, single submitter. Criteria: Invitae Variant Classification Sherloc (09022015). Collection method: clinical testing. Allele origin: germline.
Comment: ClinVar contains an entry for this variant (Variation ID: 1361811). This variant has not been reported in the literature in individuals affected with SRCAP-related conditions. This variant is not present in population databases (gnomAD no frequency). This sequence change replaces isoleucine, which is neutral and non-polar, with threonine, which is neutral and polar, at codon 2902 of the SRCAP protein (p.Ile2902Thr). Advanced modeling of protein sequence and biophysical properties (such as structural, functional, and spatial information, amino acid conservation, physicochemical variation, residue mobility, and thermodynamic stability) performed at Invitae indicates that this missense variant is not expected to disrupt SRCAP protein function. In summary, the available evidence is currently insufficient to determine the role of this variant in disease. Therefore, it has been classified as a Variant of Uncertain Significance.

NM_006662.3(SRCAP):c.8705T>C (p.Ile2902Thr)

Gene: SRCAP (Snf2 related CREBBP activator protein; plus strand). Cytogenetic location: 16p11.2.
Variant type: single nucleotide variant.
Coding change: c.8705T>C on transcript NM_006662.3 (MANE Select); coding-DNA position 8705, T replaced by C.
Protein change: p.Ile2902Thr; replaces isoleucine 2902 with threonine.
Molecular consequence: missense variant.
Genome position (GRCh38, 1-based): chr16:30,738,745, T>C. VCF-style: chr16-30738745-T-C. GRCh37 (hg19) VCF-style: chr16-30750066-T-C.
Other names: short protein forms I2902T.
Identifiers: ClinVar variation 1361811 (VCV001361811.6), dbSNP rs2151300952, ClinGen allele CA395640572.
Genomic context (GRCh38, chr16:30,738,745, plus strand): 5'-CATCCACCTTGAAGGGAAAAACCAATGGGGCTGACCCAGTCCCTGGGCCTGAGACCCTAA[T>C]TGTTGCAGATCCTGTCCTGGAACCACAGCTTATTCCTGGGCCCCAGCCTCTTGGACCCCA-3'
Protein context (NP_006653.2, residues 2892-2912): ADPVPGPETL[Ile2902Thr]VADPVLEPQL